The following is an entry in ClinVar:

ClinVar aggregate classification (germline): Pathogenic (1 of 4 stars; one submission).

Conditions:
Tay-Sachs disease (TSD). Also called: Hexosaminidase A Deficiency; HEXA Disorders; GM2 gangliosidosis, type 1; Hexosaminidase alpha-subunit deficiency (variant B); Sphingolipidosis, Tay-Sachs; HEXA DEFICIENCY. Identifiers: Orphanet 845, MedGen C0039373, MONDO:0010100, OMIM 272800.

Submission:

Women's Health and Genetics/Laboratory Corporation of America, LabCorp
Classification: Pathogenic for Tay-Sachs disease. Last evaluated: 2020-10-26. Review status: criteria provided, single submitter. Criteria: LabCorp Variant Classification Summary - May 2015. Collection method: clinical testing. Allele origin: germline.
Comment: Variant summary: HEXA c.496delC (p.Arg166AlafsX33) results in a premature termination codon, predicted to cause a truncation of the encoded protein or absence of the protein due to nonsense mediated decay, which are commonly known mechanisms for disease. Truncations downstream of this position have been classified as pathogenic by our laboratory. The variant was absent in 251210 control chromosomes. c.496delC has been reported in the literature in at-least one individual affected with Tay-Sachs Disease and has been subsequently observed within settings of numerous carrier screening programs (example, Drucker_1997, Zlotogara_2019). At least one publication reports experimental evidence evaluating an impact on protein function. The most pronounced variant effect results in a loss of normal enzyme activity in obligate carriers at levels expected for this genotype and further supported by the absence of steady-state levels of mRNA (example, Drucker_1997). No clinical diagnostic laboratories have submitted clinical-significance assessments for this variant to ClinVar after 2014. Based on the evidence outlined above, the variant was classified as pathogenic.

Literature cited by the submitters: PubMed 9401008; PubMed 31839005.

NM_000520.6(HEXA):c.496del (p.Arg166fs)

Gene: HEXA (hexosaminidase subunit alpha; minus strand). Cytogenetic location: 15q23.
Variant type: Deletion.
Coding change: c.496del on transcript NM_000520.6 (MANE Select); coding-DNA position 496, one base deleted (C; older notation c.496delC).
Protein change: p.Arg166fs; shifts the reading frame from arginine 166.
Molecular consequence: frameshift variant. On other transcripts: non-coding transcript variant (1).
Genome position (GRCh38, 1-based): chr15:72,353,142, G deleted on the plus strand (C on the coding strand, the reverse complement: HEXA is on the minus strand); the first of 4 consecutive G bases (chr15:72,353,142-72,353,145); deleting any one gives the same sequence. VCF-style (leftmost placement, unchanged base first): chr15-72353141-CG-C. GRCh37 (hg19) VCF-style: chr15-72645482-CG-C.
Other names: c.529del, p.Arg177fs (NM_001318825.2); short protein forms R166fs, R177fs.
Identifiers: ClinVar variation 984491 (VCV000984491.1), dbSNP rs2088724288, ClinGen allele CA1139664064.